The following is an entry in ClinVar:

NM_001162501.2(TNRC6B):c.2448G>T (p.Trp816Cys)

Gene: TNRC6B (trinucleotide repeat containing adaptor 6B; plus strand). Cytogenetic location: 22q13.1.
Variant type: single nucleotide variant.
Coding change: c.2448G>T on transcript NM_001162501.2 (MANE Select); coding-DNA position 2448, G replaced by T.
Protein change: p.Trp816Cys; replaces tryptophan 816 with cysteine.
Molecular consequence: missense variant. On other transcripts: intron variant (1).
Genome position (GRCh38, 1-based): chr22:40,266,678, G>T. VCF-style: chr22-40266678-G-T. GRCh37 (hg19) VCF-style: chr22-40662682-G-T.
Other names: c.2448G>T (NM_001162501.1); c.2448G>T, p.Trp816Cys (NM_015088.3); c.566-3444G>T (NM_001024843.2); short protein forms W816C.
Identifiers: ClinVar variation 3389188 (VCV003389188.15).
Genomic context (GRCh38, chr22:40,266,678, plus strand): 5'-GTGGGAGGATTGCAAAAGATCCCCAGCATGGAATGAGACGGGCCGACAGCCCAATTCCTG[G>T]AATAAACAACACCAACAGCAGCAGCCCCCACAGCAGCCGCCGCCACCACAACCAGAGGCT-3'
Protein context (NP_001155973.1, residues 806-826): WNETGRQPNS[Trp816Cys]NKQHQQQQPP

ClinVar aggregate classification (germline): Uncertain significance. Review status: criteria provided, multiple submitters, no conflicts (2 of 4 stars). 2 submissions from 2 submitters: Uncertain significance (2). Last evaluated 2026-06-09.

Conditions:
TNRC6B-related disorder. Also called: TNRC6B-related condition.

gnomAD v4.1: 44 of 1,613,670 alleles (0.0027%); highest among the groups gnomAD compares: Non-Finnish European, 0.0036%; no homozygotes.

Submissions (2):

PreventionGenetics, part of Exact Sciences
Classification: Uncertain significance for TNRC6B-related condition. Last evaluated: 2026-06-09. Review status: criteria provided, single submitter. Criteria: ACMG Guidelines, 2015. Collection method: clinical testing. Allele origin: germline.
Comment: The TNRC6B c.2448G>T variant is predicted to result in the amino acid substitution p.Trp816Cys. To our knowledge, this variant has not been reported in the literature. This variant is reported in 0.0018% of alleles in individuals of European (Non-Finnish) descent in gnomAD. At this time, the clinical significance of this variant is uncertain due to the absence of conclusive functional and genetic evidence.

CeGaT Center for Human Genetics Tuebingen
Classification: Uncertain significance. Last evaluated: 2024-11-01. Review status: criteria provided, single submitter. Criteria: CeGaT Center For Human Genetics Tuebingen Variant Classification Criteria Version 2. Collection method: clinical testing. Allele origin: germline. Affected: yes. Observed: 1 variant allele.